The following is an entry in ClinVar:

NM_001267550.2(TTN):c.98439G>A (p.Val32813=)

Genes: TTN-AS1 (TTN antisense RNA 1; plus strand), TTN (titin; minus strand). Cytogenetic location: 2q31.2.
Variant type: single nucleotide variant.
Coding change: c.98439G>A on transcript NM_001267550.2 (MANE Select); coding-DNA position 98439, G replaced by A.
Protein change: p.Val32813=; no amino-acid change (valine 32813 retained).
Molecular consequence: synonymous variant. On other transcripts: non-coding transcript variant (1).
Genome position (GRCh38, 1-based): chr2:178,539,626, C>T on the plus strand (G>A on the coding strand, the complement: TTN is on the minus strand). VCF-style: chr2-178539626-C-T. GRCh37 (hg19) VCF-style: chr2-179404353-C-T.
Other names: p.V31172V:GTG>GTA; c.93516G>A, p.Val31172= (NM_001256850.1); c.71244G>A, p.Val23748= (NM_003319.4); c.90735G>A, p.Val30245= (NM_133378.4); c.71619G>A, p.Val23873= (NM_133432.3); c.71820G>A, p.Val23940= (NM_133437.4).
Identifiers: ClinVar variation 47601 (VCV000047601.45), dbSNP rs368487246, ClinGen allele CA232511.

ClinVar aggregate classification (germline): Benign/Likely benign. Review status: criteria provided, multiple submitters, no conflicts (2 of 4 stars). 19 submissions from 16 submitters: Benign (12); Likely benign (4). 3 of the submissions do not count toward it. Last evaluated 2026-08-01.

Conditions:
Cardiovascular phenotype. Identifiers: MedGen CN230736.
Dilated cardiomyopathy 1G (CMD1G). Identifiers: Orphanet 154, MedGen C1858763, MONDO:0011400, OMIM 604145.
Autosomal recessive limb-girdle muscular dystrophy type 2J (LGMDR10). Also called: MUSCULAR DYSTROPHY, LIMB-GIRDLE, AUTOSOMAL RECESSIVE 10; Limb-girdle muscular dystrophy, type 2J. Identifiers: Orphanet 140922, MedGen C1837342, MONDO:0012127, OMIM 608807.
TTN-related disorder. Also called: TTN-related disorders; TTN-related condition; TTN-related disease.
Cardiomyopathy (CMYO). Also called: Cardiomyopathies. Identifiers: Orphanet 167848, MedGen C0878544, MONDO:0004994, HP:0001638. Inheritance: Various modes of inheritance.
Early-onset myopathy with fatal cardiomyopathy (CMYO5). Also called: CONGENITAL MYOPATHY 5 WITH CARDIOMYOPATHY; Salih Myopathy. Identifiers: Orphanet 289377, MedGen C2673677, MONDO:0012714, OMIM 611705. Disease mechanism: loss of function.
Myopathy, myofibrillar, 9, with early respiratory failure (MFM9). Also called: Myopathy, distal, with early respiratory failure, autosomal dominant; Hereditary myopathy with early respiratory failure; MYOPATHY, PROXIMAL, WITH EARLY RESPIRATORY MUSCLE INVOLVEMENT; EDSTROM MYOPATHY. Identifiers: Orphanet 178464, Orphanet 34521, MedGen C1863599, MONDO:0011362, OMIM 603689.
Tibial muscular dystrophy (TMD). Also called: Udd Distal Myopathy – Tibial Muscular Dystrophy; Tibial muscular dystrophy, tardive; UDD MYOPATHY. Identifiers: Orphanet 609, MedGen C1838244, MONDO:0010870, OMIM 600334.

Allele frequency attached by ClinVar (database versions not stated): ESP Exome Variant Server 0.00166; gnomAD 0.00193 and 0.00175; 1000 Genomes Project 0.00260; 1000 Genomes Project 30x 0.00344; gnomAD exomes 0.00045 and 0.00019; ExAC 0.00060; TOPMed 0.00204.
gnomAD v4.1: 556 of 1,613,796 alleles (0.034%); highest among the groups gnomAD compares: African/African-American, 0.67%; no homozygotes.

Submissions (19):

CeGaT Center for Human Genetics Tuebingen
Classification: Likely benign. Last evaluated: 2026-08-01. Review status: criteria provided, single submitter. Criteria: CeGaT Center For Human Genetics Tuebingen Variant Classification Criteria Version 2. Collection method: clinical testing. Allele origin: germline. Affected: yes. Observed: 2 variant alleles.
Comment: TTN: BP4, BP7

Labcorp Genetics (formerly Invitae), Labcorp
Classification: Benign for Dilated cardiomyopathy 1G; Autosomal recessive limb-girdle muscular dystrophy type 2J. Last evaluated: 2026-02-01. Review status: criteria provided, single submitter. Criteria: Invitae Variant Classification Sherloc (09022015). Collection method: clinical testing. Allele origin: germline.

ARUP Laboratories, Molecular Genetics and Genomics, ARUP Laboratories
Classification: Likely benign. Last evaluated: 2025-05-20. Review status: criteria provided, single submitter. Criteria: ARUP Molecular Germline Variant Investigation Process 2024. Collection method: clinical testing. Allele origin: germline.

Molecular Diagnostic Laboratory for Inherited Cardiovascular Disease, Montreal Heart Institute
Classification: Benign. Last evaluated: 2025-04-09. Review status: criteria provided, single submitter. Criteria: ACMG Guidelines, 2015. Collection method: clinical testing. Allele origin: germline. Affected: no.

Blueprint Genetics
Classification: Likely benign. Last evaluated: 2024-11-06. Review status: criteria provided, single submitter. Criteria: ACMG Guidelines, 2015. Collection method: clinical testing. Allele origin: germline.

CHEO Genetics Diagnostic Laboratory, Children's Hospital of Eastern Ontario
Classification: Benign for Cardiomyopathy. Last evaluated: 2022-12-12. Review status: criteria provided, single submitter. Criteria: ACMG Guidelines, 2015. Collection method: clinical testing. Allele origin: germline.

Women's Health and Genetics/Laboratory Corporation of America, LabCorp
Classification: Benign. Last evaluated: 2022-05-07. Review status: criteria provided, single submitter. Criteria: LabCorp Variant Classification Summary - May 2015. Collection method: clinical testing. Allele origin: germline.

Genome-Nilou Lab
Classification: Benign for Autosomal recessive limb-girdle muscular dystrophy type 2J. Last evaluated: 2021-09-10. Review status: criteria provided, single submitter. Criteria: ACMG Guidelines, 2015. Collection method: clinical testing. Allele origin: germline. Affected: no.

Genome-Nilou Lab
Classification: Benign for Myopathy, myofibrillar, 9, with early respiratory failure. Last evaluated: 2021-09-10. Review status: criteria provided, single submitter. Criteria: ACMG Guidelines, 2015. Collection method: clinical testing. Allele origin: germline. Affected: no.

Genome-Nilou Lab
Classification: Benign for Early-onset myopathy with fatal cardiomyopathy. Last evaluated: 2021-09-10. Review status: criteria provided, single submitter. Criteria: ACMG Guidelines, 2015. Collection method: clinical testing. Allele origin: germline. Affected: no.

Genome-Nilou Lab
Classification: Benign for Tibial muscular dystrophy. Last evaluated: 2021-09-10. Review status: criteria provided, single submitter. Criteria: ACMG Guidelines, 2015. Collection method: clinical testing. Allele origin: germline. Affected: no.

Athena Diagnostics
Classification: Benign. Last evaluated: 2018-12-27. Review status: criteria provided, single submitter. Criteria: Athena Diagnostics Criteria. Collection method: clinical testing. Allele origin: germline.

Ambry Genetics
Classification: Likely benign for Cardiovascular phenotype. Last evaluated: 2018-05-09. Review status: criteria provided, single submitter. Criteria: Ambry Variant Classification Scheme 2023. Collection method: clinical testing. Allele origin: germline.

Eurofins Ntd Llc (ga)
Classification: Benign. Last evaluated: 2016-08-01. Review status: criteria provided, single submitter. Criteria: EGL Classification Definitions 2015. Collection method: clinical testing. Allele origin: germline. Observed: 2 variant alleles, 2 heterozygotes.

GeneDx
Classification: Benign. Last evaluated: 2014-05-15. Review status: criteria provided, single submitter. Criteria: GeneDx Variant Classification (06012015). Collection method: clinical testing. Allele origin: germline. Affected: yes.
Comment: This variant is considered likely benign or benign based on one or more of the following criteria: it is a conservative change, it occurs at a poorly conserved position in the protein, it is predicted to be benign by multiple in silico algorithms, and/or has population frequency not consistent with disease.

Laboratory for Molecular Medicine, Mass General Brigham Personalized Medicine
Classification: Benign. Last evaluated: 2012-04-10. Review status: criteria provided, single submitter. Criteria: LMM Criteria. Collection method: clinical testing. Allele origin: germline. Observed: 3 variant alleles.
Comment: Val30245Val in Exon 301 of TTN: This variant is not expected to have clinical si gnificance because it does not alter an amino acid residue, is not located withi n the splice consensus sequence and has been identified in 0.6% (20/3522) of Afr ican American chromosomes from a broad population by the NHLBI Exome Sequencing Project.

PreventionGenetics, part of Exact Sciences
Classification: Likely benign for TTN-related condition. Last evaluated: 2024-07-18. Review status: no assertion criteria provided. Collection method: clinical testing. Allele origin: germline. Not counted in ClinVar's aggregate classification.
Comment: This variant is classified as likely benign based on ACMG/AMP sequence variant interpretation guidelines (Richards et al. 2015 PMID: 25741868, with internal and published modifications).

Clinical Genetics DNA and cytogenetics Diagnostics Lab, Erasmus MC, Erasmus Medical Center
Classification: Likely benign. Review status: no assertion criteria provided. Collection method: clinical testing. Allele origin: germline. Affected: yes. Study: VKGL Data-share Consensus. Not counted in ClinVar's aggregate classification.

Clinical Genetics, Academic Medical Center
Classification: Benign. Review status: no assertion criteria provided. Collection method: clinical testing. Allele origin: germline. Affected: yes. Study: VKGL Data-share Consensus. Not counted in ClinVar's aggregate classification.